The following is an entry in ClinVar:

ClinVar aggregate classification (germline): Pathogenic (1 of 4 stars; one submission).

Conditions:
TH-deficient dopa-responsive dystonia. Also called: Tyrosine Hydroxylase-Deficient Dopa-Responsive Dystonia; Segawa syndrome, autosomal recessive; DYT-TH. Identifiers: Orphanet 101150, MedGen C2673535, MONDO:0011551, OMIM 605407.

Submission:

Labcorp Genetics (formerly Invitae), Labcorp
Classification: Pathogenic for TH-deficient dopa-responsive dystonia. Last evaluated: 2023-11-13. Review status: criteria provided, single submitter. Criteria: Invitae Variant Classification Sherloc (09022015). Collection method: clinical testing. Allele origin: germline.
Comment: This sequence change creates a premature translational stop signal (p.Thr59Profs*56) in the TH gene. It is expected to result in an absent or disrupted protein product. Loss-of-function variants in TH are known to be pathogenic (PMID: 22264700, 24753243). This variant is not present in population databases (gnomAD no frequency). This variant has not been reported in the literature in individuals affected with TH-related conditions. For these reasons, this variant has been classified as Pathogenic.

Literature cited by the submitters: PubMed 22264700; PubMed 24753243.

NM_000360.4(TH):c.91-835AC[3]

Gene: TH (tyrosine hydroxylase; minus strand). Cytogenetic location: 11p15.5.
Variant type: Microsatellite.
Coding change: c.91-835AC[3] on transcript NM_000360.4 (MANE Select); three copies in a row of the 2-base unit AC starting at c.91-835; the reference has two copies in a row; one copy, 2 bases duplicated.
Molecular consequence: intron variant. On other transcripts: frameshift variant (2).
Genome position (GRCh38, 1-based): chr11:2,170,703-2,170,704, GT duplicated on the plus strand (AC on the coding strand, the reverse complement: TH is on the minus strand); duplicating any 2 consecutive bases within chr11:2,170,703-2,170,706 gives the same sequence; the position shown is the placement nearest the transcript's 3' end. VCF-style (leftmost placement, unchanged base first): chr11-2170702-G-GGT. GRCh37 (hg19) VCF-style: chr11-2191932-G-GGT.
Other names: c.169_170dup, p.Thr59fs (NM_199292.3); c.157_158dup, p.Thr55fs (NM_199293.3); short protein forms T59fs, T55fs.
Identifiers: ClinVar variation 2695432 (VCV002695432.3), dbSNP rs2495836141, ClinGen allele CA2697558897.
Genomic context (GRCh38, chr11:2,170,702, plus strand): 5'-CATGAAGGGGAGCAGCAGAAGCCCCTCCCAGAGTCCCCTCTTACTTACCCTTGGGGTGGG[G>GGT]GTGTAGGATGCAGCTGGGGCTGCAGTTCCAGGCCACGGAGAGCCTGTGAGGCTGGGCCCC-3'